The following is an entry in ClinVar:

ClinVar aggregate classification (germline): Uncertain significance (1 of 4 stars; one submission).

Allele frequency attached by ClinVar (database versions not stated): gnomAD 0.00001; TOPMed 0.00002; gnomAD exomes below 0.00001; ExAC 0.00001.
gnomAD v4.1: 6 of 1,613,614 alleles (0.00037%); highest among the groups gnomAD compares: African/African-American, 0.0067%; no homozygotes.

Submission:

Ambry Genetics
Classification: Uncertain significance. Last evaluated: 2025-06-25. Review status: criteria provided, single submitter. Criteria: Ambry Variant Classification Scheme 2023. Collection method: clinical testing. Allele origin: germline.
Comment: The p.D226N variant (also known as c.676G>A), located in coding exon 5 of the RINT1 gene, results from a G to A substitution at nucleotide position 676. The aspartic acid at codon 226 is replaced by asparagine, an amino acid with highly similar properties. This amino acid position is conserved. In addition, this alteration is predicted to be tolerated by in silico analysis. Since supporting evidence is limited at this time, the clinical significance of this alteration remains unclear.

NM_021930.6(RINT1):c.676G>A (p.Asp226Asn)

Gene: RINT1 (RAD50 interactor 1; plus strand). Cytogenetic location: 7q22.3.
Variant type: single nucleotide variant.
Coding change: c.676G>A on transcript NM_021930.6 (MANE Select); coding-DNA position 676, G replaced by A.
Protein change: p.Asp226Asn; replaces aspartic acid 226 with asparagine.
Molecular consequence: missense variant. On other transcripts: 5 prime UTR variant (2), non-coding transcript variant (1), intron variant (1).
Genome position (GRCh38, 1-based): chr7:105,547,070, G>A. VCF-style: chr7-105547070-G-A. GRCh37 (hg19) VCF-style: chr7-105187517-G-A.
Other names: c.442G>A, p.Asp148Asn (NM_001346599.2); c.-344G>A (NM_001346600.2); c.-247G>A (NM_001346601.2); c.-27-2985G>A (NM_001346603.2); short protein forms D148N, D226N.
Identifiers: ClinVar variation 2560470 (VCV002560470.3), dbSNP rs760189020, ClinGen allele CA4426487.
Genomic context (GRCh38, chr7:105,547,070, plus strand): 5'-TGTACTCATCTTCTTGGTTTCATGAGAGCCACAGTTAAATTCTGGCATAAAATTCTCAAG[G>A]ACAAGCTTACAAGGTAGGGAATTTACCCATATTTTGTGGTAATTGCTTTCCGATGGGTAT-3'
Protein context (NP_068749.3, residues 216-236): TVKFWHKILK[Asp226Asn]KLTSDFEEIL